The following is an entry in ClinVar:

ClinVar aggregate classification (germline): Uncertain significance (1 of 4 stars; one submission).

Conditions:
Hereditary cancer-predisposing syndrome. Also called: Hereditary neoplastic syndrome; Neoplastic Syndromes, Hereditary; Tumor predisposition; Hereditary Cancer Syndrome. Identifiers: Orphanet 140162, MedGen C0027672, MeSH D009386, MONDO:0015356.
Cardiovascular phenotype. Identifiers: MedGen CN230736.

Submission:

Ambry Genetics
Classification: Uncertain significance for Cardiovascular phenotype; Hereditary cancer-predisposing syndrome. Last evaluated: 2024-12-20. Review status: criteria provided, single submitter. Criteria: Ambry Variant Classification Scheme 2023. Collection method: clinical testing. Allele origin: germline.
Comment: The c.2407-1G>T intronic variant results from a G to T substitution one nucleotide upstream from coding exon 21 of the LZTR1 gene. Alterations that disrupt the canonical splice site are expected to result in aberrant splicing. In silico splice site analysis predicts that this alteration will weaken the native splice acceptor site and will result in the creation or strengthening of a novel splice acceptor site. The resulting transcript is predicted to be in-frame and is not expected to trigger nonsense-mediated mRNAdecay; although, direct evidence is unavailable. This nucleotide position is highly conserved in available vertebrate species. Based on the available evidence, the clinical significance of this variant remains unclear.

NM_006767.4(LZTR1):c.2407-1G>T

Gene: LZTR1 (leucine zipper like post translational regulator 1; plus strand). Cytogenetic location: 22q11.21.
Variant type: single nucleotide variant.
Coding change: c.2407-1G>T on transcript NM_006767.4 (MANE Select); the canonical splice acceptor site of the intron before coding-DNA position 2407, G replaced by T.
Molecular consequence: splice acceptor variant.
Genome position (GRCh38, 1-based): chr22:20,997,231, G>T. VCF-style: chr22-20997231-G-T. GRCh37 (hg19) VCF-style: chr22-21351520-G-T.
Identifiers: ClinVar variation 3869260 (VCV003869260.1).